The following is an entry in ClinVar:

ClinVar aggregate classification (germline): Uncertain significance (1 of 4 stars; one submission).

Conditions:
Inborn genetic diseases. Identifiers: MedGen C0950123, MeSH D030342.

Submission:

Ambry Genetics
Classification: Uncertain significance for Inborn genetic diseases. Last evaluated: 2024-09-02. Review status: criteria provided, single submitter. Criteria: Ambry Variant Classification Scheme 2023. Collection method: clinical testing. Allele origin: germline.
Comment: The p.S98R variant (also known as c.294C>A), located in coding exon 3 of the LRRK2 gene, results from a C to A substitution at nucleotide position 294. The serine at codon 98 is replaced by arginine, an amino acid with dissimilar properties. This amino acid position is conserved. In addition, this alteration is predicted to be tolerated by in silico analysis. Based on the available evidence, the clinical significance of this variant remains unclear.

NM_198578.4(LRRK2):c.294C>A (p.Ser98Arg)

Gene: LRRK2 (leucine rich repeat kinase 2; plus strand). Cytogenetic location: 12q12.
Variant type: single nucleotide variant.
Coding change: c.294C>A on transcript NM_198578.4 (MANE Select); coding-DNA position 294, C replaced by A.
Protein change: p.Ser98Arg; replaces serine 98 with arginine.
Molecular consequence: missense variant.
Genome position (GRCh38, 1-based): chr12:40,232,330, C>A. VCF-style: chr12-40232330-C-A. GRCh37 (hg19) VCF-style: chr12-40626132-C-A.
Other names: short protein forms S98R.
Identifiers: ClinVar variation 3540530 (VCV003540530.1).